The following is an entry in ClinVar:

NM_032271.3(TRAF7):c.627G>A (p.Gly209=)

Gene: TRAF7 (TNF receptor associated factor 7; plus strand). Cytogenetic location: 16p13.3.
Variant type: single nucleotide variant.
Coding change: c.627G>A on transcript NM_032271.3 (MANE Select); coding-DNA position 627, G replaced by A.
Protein change: p.Gly209=; no amino-acid change (glycine 209 retained).
Molecular consequence: synonymous variant.
Genome position (GRCh38, 1-based): chr16:2,172,342, G>A. VCF-style: chr16-2172342-G-A. GRCh37 (hg19) VCF-style: chr16-2222343-G-A.
Identifiers: ClinVar variation 2646045 (VCV002646045.24), dbSNP rs141784925, ClinGen allele CA7834666.

ClinVar aggregate classification (germline): Likely benign (1 of 4 stars; one submission).

Allele frequency attached by ClinVar (database versions not stated): ExAC 0.00002; TOPMed 0.00002; gnomAD 0.00004; ESP Exome Variant Server 0.00008.
gnomAD v4.1: 103 of 1,612,146 alleles (0.0064%); highest among the groups gnomAD compares: Non-Finnish European, 0.0084%; no homozygotes.

Submission:

CeGaT Center for Human Genetics Tuebingen
Classification: Likely benign. Last evaluated: 2022-06-01. Review status: criteria provided, single submitter. Criteria: CeGaT Center For Human Genetics Tuebingen Variant Classification Criteria Version 2. Collection method: clinical testing. Allele origin: germline. Affected: yes. Observed: 1 variant allele.
Comment: TRAF7: BP4, BP7